The following is an entry in ClinVar:

ClinVar aggregate classification (germline): Conflicting classifications of pathogenicity. Review status: criteria provided, conflicting classifications (1 of 4 stars). 2 submissions from 2 submitters: Uncertain significance (1); Likely benign (1). Last evaluated 2025-11-05.

Conditions:
Cone-rod dystrophy 6 (CORD6). Also called: RETINAL CONE DYSTROPHY 2; Cone dystrophy progressive. Identifiers: Orphanet 1872, MedGen C1866293, MONDO:0011143, OMIM 601777.
Leber congenital amaurosis 1 (LCA1). Also called: Congenital absence of the rods and cones; Leber's congenital tapetoretinal degeneration; Leber's congenital tapetoretinal dysplasia; RETINAL BLINDNESS, CONGENITAL; AMAUROSIS CONGENITA OF LEBER I. Identifiers: Orphanet 65, MedGen C2931258, MONDO:0008764, OMIM 204000.

Allele frequency attached by ClinVar (database versions not stated): gnomAD exomes 0.00007; ExAC 0.00015; 1000 Genomes Project 0.00040; ESP Exome Variant Server 0.00046; gnomAD 0.00047 and 0.00050; TOPMed 0.00053; 1000 Genomes Project 30x 0.00062.
gnomAD v4.1: 153 of 1,611,538 alleles (0.0095%); highest among the groups gnomAD compares: African/African-American, 0.19%; no homozygotes.

Submissions (2):

Labcorp Genetics (formerly Invitae), Labcorp
Classification: Uncertain significance for Leber congenital amaurosis 1; Cone-rod dystrophy 6. Last evaluated: 2025-11-05. Review status: criteria provided, single submitter. Criteria: Invitae Variant Classification Sherloc (09022015). Collection method: clinical testing. Allele origin: germline.
Comment: This sequence change affects codon 1014 of the GUCY2D mRNA. It is a 'silent' change, meaning that it does not change the encoded amino acid sequence of the GUCY2D protein. It affects a nucleotide within the consensus splice site. This variant is present in population databases (rs139019420, gnomAD 0.1%). This variant has not been reported in the literature in individuals affected with GUCY2D-related conditions. ClinVar contains an entry for this variant (Variation ID: 966153). Variants that disrupt the consensus splice site are a relatively common cause of aberrant splicing (PMID: 17576681, 9536098). Algorithms developed to predict the effect of sequence changes on RNA splicing suggest that this variant is not likely to affect RNA splicing. In summary, the available evidence is currently insufficient to determine the role of this variant in disease. Therefore, it has been classified as a Variant of Uncertain Significance.

Blueprint Genetics
Classification: Likely benign. Last evaluated: 2024-07-10. Review status: criteria provided, single submitter. Criteria: ACMG Guidelines, 2015. Collection method: clinical testing. Allele origin: germline.

Literature cited by the submitters: PubMed 17576681 (cited by Labcorp Genetics (formerly Invitae), Labcorp); PubMed 9536098 (cited by Labcorp Genetics (formerly Invitae), Labcorp).

NM_000180.4(GUCY2D):c.3042G>A (p.Leu1014=)

Gene: GUCY2D (guanylate cyclase 2D, retinal; plus strand). Cytogenetic location: 17p13.1.
Variant type: single nucleotide variant.
Coding change: c.3042G>A on transcript NM_000180.4 (MANE Select); coding-DNA position 3042, G replaced by A.
Protein change: p.Leu1014=; no amino-acid change (leucine 1014 retained).
Molecular consequence: synonymous variant.
Genome position (GRCh38, 1-based): chr17:8,015,840, G>A. VCF-style: chr17-8015840-G-A. GRCh37 (hg19) VCF-style: chr17-7919158-G-A.
Identifiers: ClinVar variation 966153 (VCV000966153.8), dbSNP rs139019420, ClinGen allele CA8366283.
Genomic context (GRCh38, chr17:8,015,840, plus strand): 5'-GCGGTACTGCCTGTTTGGGGACACGGTCAACACCGCCTCGCGCATGGAGTCCACCGGGCT[G>A]CGTGAGTGTGACGGGGACAAGACGGGGAGGTGGGAGGGGGACACGGGAGGTGAGTCCCGA-3'
Protein context (NP_000171.1, residues 1004-1024): NTASRMESTG[Leu1014=]PYRIHVNLST